The following is an entry in ClinVar:

ClinVar aggregate classification (germline): Likely benign. Review status: criteria provided, multiple submitters, no conflicts (2 of 4 stars). 4 submissions from 4 submitters: Likely benign (3). 1 of the submissions does not count toward it. Last evaluated 2025-12-13.

Allele frequency attached by ClinVar (database versions not stated): gnomAD exomes 0.00012 and 0.00020; ExAC 0.00025; gnomAD 0.00052 and 0.00056; TOPMed 0.00053; ESP Exome Variant Server 0.00054; 1000 Genomes Project 30x 0.00109; 1000 Genomes Project 0.00120.
gnomAD v4.1: 258 of 1,609,476 alleles (0.016%); highest among the groups gnomAD compares: African/African-American, 0.2%; no homozygotes.

Submissions (5):

Labcorp Genetics (formerly Invitae), Labcorp
Classification: Likely benign. Last evaluated: 2025-12-13. Review status: criteria provided, single submitter. Criteria: Invitae Variant Classification Sherloc (09022015). Collection method: clinical testing. Allele origin: germline.

Blueprint Genetics
Classification: Likely benign. Last evaluated: 2024-10-25. Review status: criteria provided, single submitter. Criteria: ACMG Guidelines, 2015. Collection method: clinical testing. Allele origin: germline.

CeGaT Center for Human Genetics Tuebingen
Classification: Likely benign. Last evaluated: 2024-09-01. Review status: criteria provided, single submitter. Criteria: CeGaT Center For Human Genetics Tuebingen Variant Classification Criteria Version 2. Collection method: clinical testing. Allele origin: germline. Affected: yes. Observed: 3 variant alleles.
Comment: GNB1: BP4, BS1

Department of Pathology and Laboratory Medicine, Sinai Health System
Classification: Likely benign. Review status: no assertion criteria provided. Collection method: clinical testing. Allele origin: unknown. Affected: yes. Study: The Canadian Open Genetics Repository (COGR). Not counted in ClinVar's aggregate classification.
Comment: The GNB1 c.616+5G>A variant was not identified in the literature nor was it identified in ClinVar. The variant was identified in dbSNP (ID: rs185462709) and in control databases in 68 of 282344 chromosomes at a frequency of 0.0002408 (Genome Aggregation Database March 6, 2019, v2.1.1). The variant was observed in the following populations: African in 54 of 24964 chromosomes (freq: 0.002163), European (non-Finnish) in 13 of 128756 chromosomes (freq: 0.000101) and Latino in 1 of 35408 chromosomes (freq: 0.000028), but was not observed in the Ashkenazi Jewish, East Asian, European (Finnish), Other, or South Asian populations. The c.616+5G>A variant is located in the 5' splice region but does not affect the invariant +1 and +2 positions. However, positions +3 to +6 are part of the splicing consensus sequence and variants involving these positions sometimes affect splicing. In addition, 3 of 4 in silico or computational prediction software programs (SpliceSiteFinder, MaxEntScan, NNSPLICE, GeneSplicer) predict a greater than 10% difference in splicing. However, this has not been confirmed by RNA analysis and is not predictive enough to assume pathogenicity. In summary, based on the above information the clinical significance of this variant cannot be determined with certainty at this time although we would lean towards a more benign role for this variant. This variant is classified as likely benign.

Dr. Peter K. Rogan Lab, Western University
No classification provided (evidence only). Condition: Uterine corpus endometrial carcinoma. Review status: no classification provided. Collection method: in vitro. Allele origin: not applicable. Functional consequence: retained intron. Not counted in ClinVar's aggregate classification.

NM_002074.5(GNB1):c.916+5G>A

Gene: GNB1 (G protein subunit beta 1; minus strand). Cytogenetic location: 1p36.33.
Variant type: single nucleotide variant.
Coding change: c.916+5G>A on transcript NM_002074.5 (MANE Select); 5 bases into the intron after coding-DNA position 916, G replaced by A.
Molecular consequence: intron variant.
Genome position (GRCh38, 1-based): chr1:1,789,048, C>T on the plus strand (G>A on the coding strand, the complement: GNB1 is on the minus strand). VCF-style: chr1-1789048-C-T. GRCh37 (hg19) VCF-style: chr1-1720487-C-T.
Other names: c.916+5G>A (NM_001282539.2); c.616+5G>A (NM_001282538.2).
Identifiers: ClinVar variation 1050582 (VCV001050582.34), dbSNP rs185462709, ClinGen allele CA531918.